The following is an entry in ClinVar:

NM_001395413.1(POR):c.1032C>T (p.Val344=)

Genes: POR (cytochrome p450 oxidoreductase; plus strand), LOC126860075 (CDK7 strongly-dependent group 2 enhancer GRCh37_chr7:75612087-75613286; plus strand). Cytogenetic location: 7q11.23.
Variant type: single nucleotide variant.
Coding change: c.1032C>T on transcript NM_001395413.1 (MANE Select); coding-DNA position 1032, C replaced by T.
Protein change: p.Val344=; no amino-acid change (valine 344 retained).
Molecular consequence: synonymous variant.
Genome position (GRCh38, 1-based): chr7:75,983,831, C>T. VCF-style: chr7-75983831-C-T. GRCh37 (hg19) VCF-style: chr7-75613149-C-T.
Other names: c.1041C>T, p.Val347= (NM_000941.2, NM_000941.3); c.1032C>T, p.Val344= (NM_001367562.3, NM_001382657.2, NM_001382658.3 and 2 more transcripts); c.1086C>T, p.Val362= (NM_001382655.3).
Identifiers: ClinVar variation 2778320 (VCV002778320.5), dbSNP rs369776567, ClinGen allele CA4303952.
Genomic context (GRCh38, chr7:75,983,831, plus strand): 5'-AGCCAACGACTCTGCTCTCGTCAACCAGCTGGGCAAAATCCTGGGTGCCGACCTGGACGT[C>T]GTCATGTCCCTGAACAACCTGGATGGTGAGTGCCACAGTCAGGGCGCCCTGCCGGGCTCA-3'
Protein context (NP_001382342.1, residues 334-354): LGKILGADLD[Val344=]VMSLNNLDEE

ClinVar aggregate classification (germline): Likely benign. Review status: criteria provided, single submitter (1 of 4 stars). 2 submissions from 2 submitters: Likely benign (1). 1 of the submissions does not count toward it. Last evaluated 2025-12-22.

Conditions:
POR-related disorder. Also called: POR-related condition.
Congenital adrenal hyperplasia due to cytochrome P450 oxidoreductase deficiency. Also called: DISORDERED STEROIDOGENESIS DUE TO POR DEFICIENCY. Identifiers: Orphanet 95699, MedGen C1860042, MONDO:0013310, OMIM 613571.

Allele frequency attached by ClinVar (database versions not stated): gnomAD 0.00007; TOPMed 0.00008; ExAC 0.00011; ESP Exome Variant Server 0.00024.
gnomAD v4.1: 91 of 1,610,258 alleles (0.0057%); highest among the groups gnomAD compares: South Asian, 0.026%; no homozygotes.

Submissions (2):

Labcorp Genetics (formerly Invitae), Labcorp
Classification: Likely benign for Congenital adrenal hyperplasia due to cytochrome P450 oxidoreductase deficiency. Last evaluated: 2025-12-22. Review status: criteria provided, single submitter. Criteria: Invitae Variant Classification Sherloc (09022015). Collection method: clinical testing. Allele origin: germline.

PreventionGenetics, part of Exact Sciences
Classification: Likely benign for POR-related condition. Last evaluated: 2019-07-30. Review status: no assertion criteria provided. Collection method: clinical testing. Allele origin: germline. Not counted in ClinVar's aggregate classification.
Comment: This variant is classified as likely benign based on ACMG/AMP sequence variant interpretation guidelines (Richards et al. 2015 PMID: 25741868, with internal and published modifications).